The following is an entry in ClinVar:

NM_001363711.2(DUOX2):c.4561G>T (p.Gly1521Ter)

Gene: DUOX2 (dual oxidase 2; minus strand). Cytogenetic location: 15q21.1.
Variant type: single nucleotide variant.
Coding change: c.4561G>T on transcript NM_001363711.2 (MANE Select); coding-DNA position 4561, G replaced by T.
Protein change: p.Gly1521Ter; replaces glycine 1521 with a stop codon.
Molecular consequence: nonsense.
Genome position (GRCh38, 1-based): chr15:45,094,236, C>A on the plus strand (G>T on the coding strand, the complement: DUOX2 is on the minus strand). VCF-style: chr15-45094236-C-A. GRCh37 (hg19) VCF-style: chr15-45386434-C-A.
Other names: c.4561G>T, p.Gly1521Ter (NM_014080.5); short protein forms G1521*.
Identifiers: ClinVar variation 632236 (VCV000632236.11), dbSNP rs765781255, ClinGen allele CA7537465.

ClinVar aggregate classification (germline): Conflicting classifications of pathogenicity. Review status: criteria provided, conflicting classifications (1 of 4 stars). 3 submissions from 3 submitters: Likely pathogenic (1); Uncertain significance (1). 1 of the submissions does not count toward it. Last evaluated 2025-09-24.

Conditions:
DUOX2-related disorder. Also called: DUOX2-related condition.
Thyroid dyshormonogenesis 6 (TDH6). Also called: THYROID HORMONOGENESIS, GENETIC DEFECT IN, 6; Genetic transient congenital hypothyroidism; HYPOTHYROIDISM, CONGENITAL, DUE TO DYSHORMONOGENESIS, 6. Identifiers: Orphanet 226316, Orphanet 95716, MedGen C1846632, MONDO:0011792, OMIM 607200.

Allele frequency attached by ClinVar (database versions not stated): gnomAD 0.00001; TOPMed 0.00002; ExAC 0.00006.
gnomAD v4.1: 20 of 1,614,030 alleles (0.0012%); highest among the groups gnomAD compares: East Asian, 0.038%; no homozygotes.

Submissions (3):

GeneDx
Classification: Uncertain significance. Last evaluated: 2025-09-24. Review status: criteria provided, single submitter. Criteria: GeneDx Variant Classification Process June 2021. Collection method: clinical testing. Allele origin: germline.
Comment: Nonsense variant predicted to result in protein truncation as the last 28 amino acids are lost; Identified as heterozygous in unrelated individuals with congenital hypothyroidism (PMID: 30154845, 32319661); This variant is associated with the following publications: (PMID: 32319661, 33631011, 34200080, 38923290, 30154845)

Juno Genomics, Hangzhou Juno Genomics, Inc
Classification: Likely pathogenic for Thyroid dyshormonogenesis 6. Review status: criteria provided, single submitter. Criteria: ACMG Guidelines, 2015. Collection method: clinical testing. Allele origin: germline.
Comment: Absent from controls (or at extremely low frequency if recessive) in Genome Aggregation Database.;Null variant in a gene where loss of function (LOF) is a known mechanism of disease.;For recessive disorders, detected in trans with a pathogenic variant.;Co-segregation with disease in multiple affected family members.;Patient's phenotype or family history is highly specific for a disease with a single genetic etiology.

PreventionGenetics, part of Exact Sciences
Classification: Likely pathogenic for DUOX2-related condition. Last evaluated: 2024-02-26. Review status: no assertion criteria provided. Collection method: clinical testing. Allele origin: germline. Not counted in ClinVar's aggregate classification.
Comment: The DUOX2 c.4561G>T variant is predicted to result in premature protein termination (p.Gly1521*). This variant has been reported in an individual with thyroid dyshormonogenesis (Table 2, Chen et al. 2018. PubMed ID: 30154845) and it has also been reported in multiple individuals with congenital hypothyroidism (Table 2, Wang et al. 2020. PubMed ID: 32319661). This variant is reported in 0.095% of alleles in individuals of East Asian descent in gnomAD. Nonsense variants in DUOX2 are expected to be pathogenic. This variant is interpreted as likely pathogenic.